The following is an entry in ClinVar:

NM_020884.7(MYH7B):c.3963G>T (p.Glu1321Asp)

Gene: MYH7B (myosin heavy chain 7B; plus strand). Cytogenetic location: 20q11.22.
Variant type: single nucleotide variant.
Coding change: c.3963G>T on transcript NM_020884.7 (MANE Select); coding-DNA position 3963, G replaced by T.
Protein change: p.Glu1321Asp; replaces glutamic acid 1321 with aspartic acid.
Molecular consequence: missense variant.
Genome position (GRCh38, 1-based): chr20:34,998,599, G>T. VCF-style: chr20-34998599-G-T. GRCh37 (hg19) VCF-style: chr20-33586402-G-T.
Other names: short protein forms E1321D.
Identifiers: ClinVar variation 1404405 (VCV001404405.6), dbSNP rs2147236841, ClinGen allele CA408712992.

ClinVar aggregate classification (germline): Uncertain significance (1 of 4 stars; one submission).

Submission:

Labcorp Genetics (formerly Invitae), Labcorp
Classification: Uncertain significance. Last evaluated: 2021-10-20. Review status: criteria provided, single submitter. Criteria: Invitae Variant Classification Sherloc (09022015). Collection method: clinical testing. Allele origin: germline.
Comment: Algorithms developed to predict the effect of missense changes on protein structure and function are either unavailable or do not agree on the potential impact of this missense change (SIFT: "Deleterious"; PolyPhen-2: "Benign"; Align-GVGD: "Class C35"). In summary, the available evidence is currently insufficient to determine the role of this variant in disease. Therefore, it has been classified as a Variant of Uncertain Significance. This variant has not been reported in the literature in individuals affected with MYH7B-related conditions. This variant is not present in population databases (gnomAD no frequency). This sequence change replaces glutamic acid, a(n) acidic and polar amino acid, with aspartic acid, a(n) acidic and polar amino acid, at codon 1363 of the MYH7B protein (p.Glu1363Asp).